The following is an entry in ClinVar:

NM_000501.4(ELN):c.1533_1550dup (p.Gly518_Ile519insValGlyValAlaProGly)

Genes: ELN (elastin; plus strand), ELN-AS1 (ELN antisense RNA 1; minus strand). Cytogenetic location: 7q11.23.
Variant type: Duplication.
Coding change: c.1533_1550dup on transcript NM_000501.4 (MANE Select); coding-DNA positions 1533 to 1550, 18 bases duplicated (TGGCGTTGGCGTGGCTCC).
Protein change: p.Gly518_Ile519insValGlyValAlaProGly.
Molecular consequence: non-coding transcript variant (on NR_183555.1).
Genome position (GRCh38, 1-based): chr7:74,060,004-74,060,021, TGGCGTTGGCGTGGCTCC duplicated; duplicating any 18 consecutive bases within chr7:74,059,996-74,060,021 gives the same sequence; the c. name uses the placement nearest the transcript's 3' end. VCF-style (leftmost placement, unchanged base first): chr7-74059995-T-TGTGGCTCCTGGCGTTGGC. GRCh37 (hg19) VCF-style: chr7-73474325-T-TGTGGCTCCTGGCGTTGGC.
Other names: c.1446_1463dup, p.Gly489_Ile490insValGlyValAlaProGly (NM_001081752.3); c.1491_1508dup, p.Gly504_Ile505insValGlyValAlaProGly (NM_001081753.3); c.1548_1565dup, p.Gly523_Ile524insValGlyValAlaProGly (NM_001081754.3); c.1476_1493dup, p.Gly499_Ile500insValGlyValAlaProGly (NM_001081755.3); c.1533_1550dup, p.Gly518_Ile519insValGlyValAlaProGly (NM_001278912.2); c.1290_1307dup, p.Gly437_Ile438insValGlyValAlaProGly (NM_001278913.2); c.1461_1478dup, p.Gly494_Ile495insValGlyValAlaProGly (NM_001278914.2); c.1551_1568dup, p.Gly524_Ile525insValGlyValAlaProGly (NM_001278915.2); and 4 more.
Identifiers: ClinVar variation 4781252 (VCV004781252.1).
Genomic context (GRCh38, chr7:74,059,995, plus strand): 5'-TGTCGGTGTGGCTCCTGGAGTTGGCTTGGCTCCTGGAGTTGGCGTGGCTCCTGGAGTTGG[T>TGTGGCTCCTGGCGTTGGC]GTGGCTCCTGGCGTTGGCGTGGCTCCCGGCATTGGCCCTGGTGGAGTTGCAGGTGAGTTT-3'

ClinVar aggregate classification (germline): Uncertain significance (1 of 4 stars; one submission).

Conditions:
Supravalvar aortic stenosis (SVAS). Also called: Supravalvar aortic stenosis, Eisenberg type. Identifiers: Orphanet 3193, MedGen C0003499, MONDO:0008504, OMIM 185500, HP:0004381.

Submission:

Labcorp Genetics (formerly Invitae), Labcorp
Classification: Uncertain significance for Supravalvar aortic stenosis. Last evaluated: 2025-03-27. Review status: criteria provided, single submitter. Criteria: Invitae Variant Classification Sherloc (09022015). Collection method: clinical testing. Allele origin: germline.
Comment: This variant, c.1620_1637dup, results in the insertion of 6 amino acid(s) of the ELN protein (p.Val542_Gly547dup), but otherwise preserves the integrity of the reading frame. This variant is present in population databases (no rsID available, gnomAD 0.007%). This variant has not been reported in the literature in individuals affected with ELN-related conditions. In summary, the available evidence is currently insufficient to determine the role of this variant in disease. Therefore, it has been classified as a Variant of Uncertain Significance.